The following is an entry in ClinVar:

ClinVar aggregate classification (germline): Uncertain significance (1 of 4 stars; one submission).

Allele frequency attached by ClinVar (database versions not stated): gnomAD exomes below 0.00001.

Submission:

Labcorp Genetics (formerly Invitae), Labcorp
Classification: Uncertain significance. Last evaluated: 2022-05-28. Review status: criteria provided, single submitter. Criteria: Invitae Variant Classification Sherloc (09022015). Collection method: clinical testing. Allele origin: germline.
Comment: This sequence change replaces phenylalanine, which is neutral and non-polar, with serine, which is neutral and polar, at codon 213 of the HOXB13 protein (p.Phe213Ser). This variant is present in population databases (no rsID available, gnomAD 0.007%). This variant has not been reported in the literature in individuals affected with HOXB13-related conditions. ClinVar contains an entry for this variant (Variation ID: 1397102). Algorithms developed to predict the effect of missense changes on protein structure and function are either unavailable or do not agree on the potential impact of this missense change (SIFT: "Deleterious"; PolyPhen-2: "Benign"; Align-GVGD: "Class C35"). In summary, the available evidence is currently insufficient to determine the role of this variant in disease. Therefore, it has been classified as a Variant of Uncertain Significance.

NM_006361.6(HOXB13):c.638T>C (p.Phe213Ser)

Gene: HOXB13 (homeobox B13; minus strand). Cytogenetic location: 17q21.32.
Variant type: single nucleotide variant.
Coding change: c.638T>C on transcript NM_006361.6 (MANE Select); coding-DNA position 638, T replaced by C.
Protein change: p.Phe213Ser; replaces phenylalanine 213 with serine.
Molecular consequence: missense variant.
Genome position (GRCh38, 1-based): chr17:48,727,007, A>G on the plus strand (T>C on the coding strand, the complement: HOXB13 is on the minus strand). VCF-style: chr17-48727007-A-G. GRCh37 (hg19) VCF-style: chr17-46804369-A-G.
Other names: short protein forms F213S.
Identifiers: ClinVar variation 1397102 (VCV001397102.6), dbSNP rs1261710899, ClinGen allele CA400106943.